The following is an entry in ClinVar:

ClinVar aggregate classification (germline): Pathogenic (1 of 4 stars; one submission).

Conditions:
Oculopharyngeal muscular dystrophy 1 (OPMD1). Identifiers: MedGen CN376802, MONDO:0958176, OMIM 164300.

Submission:

MVZ Medizinische Genetik Mainz
Classification: Pathogenic for Oculopharyngeal muscular dystrophy 1. Last evaluated: 2025-05-16. Review status: criteria provided, single submitter. Criteria: UK Practice Guidelines For Variant Classification V4 01 2020. Collection method: clinical testing. Allele origin: germline. Inheritance: Autosomal dominant inheritance. Affected: yes. Observed: 1 variant allele.
Comment: ACMG Criteria: PS4,PM1_STR,PM2_SUP,PP4

NM_004643.4(PABPN1):c.3GGC[13] (p.Ala11_Gly12insAlaAlaAlaAlaAlaAla)

Genes: BCL2L2-PABPN1 (BCL2L2-PABPN1 readthrough; plus strand), PABPN1 (poly(A) binding protein nuclear 1; plus strand). Cytogenetic location: 14q11.2.
Variant type: Microsatellite.
Coding change: c.3GGC[13] on transcript NM_004643.4 (MANE Select); 13 copies in a row of the 3-base unit GGC starting at c.3; the reference has seven copies in a row; six copies, 18 bases duplicated.
Protein change: p.Ala11_Gly12insAlaAlaAlaAlaAlaAla.
Molecular consequence: initiator codon variant. On other transcripts: intron variant (8).
Genome position (GRCh38, 1-based): chr14:23,321,475-23,321,492, GGCGGCGGCGGCGGCGGC duplicated; duplicating any 18 consecutive bases within chr14:23,321,472-23,321,492 gives the same sequence; the position shown is the placement nearest the transcript's 3' end. VCF-style (leftmost placement, unchanged base first): chr14-23321471-T-TGGCGGCGGCGGCGGCGGC. GRCh37 (hg19) VCF-style: chr14-23790680-T-TGGCGGCGGCGGCGGCGGC.
Other names: c.3GGC[13], p.Ala11_Gly12insAlaAlaAlaAlaAlaAla (NM_001360551.3); c.529-709GGC[13] (NM_001387343.1, NM_001387342.1, NM_001387344.1 and 1 more transcripts); c.433-709GGC[13] (NM_001387345.1, NM_001387346.1, NM_001199864.3); c.550-709GGC[13] (NM_001387340.1).
Identifiers: ClinVar variation 3907692 (VCV003907692.1).